The following is an entry in ClinVar:

ClinVar aggregate classification (germline): Uncertain significance (1 of 4 stars; one submission).

Conditions:
Hereditary cancer-predisposing syndrome. Also called: Neoplastic Syndromes, Hereditary; Tumor predisposition; Hereditary neoplastic syndrome; Hereditary Cancer Syndrome. Identifiers: Orphanet 140162, MedGen C0027672, MeSH D009386, MONDO:0015356.

Submission:

Ambry Genetics
Classification: Uncertain significance for Hereditary cancer-predisposing syndrome. Last evaluated: 2022-11-04. Review status: criteria provided, single submitter. Criteria: Ambry Variant Classification Scheme 2023. Collection method: clinical testing. Allele origin: germline.
Comment: The p.V65L variant (also known as c.193G>C), located in coding exon 2 of the BLM gene, results from a G to C substitution at nucleotide position 193. The valine at codon 65 is replaced by leucine, an amino acid with highly similar properties. This amino acid position is conserved. In addition, this alteration is predicted to be tolerated by in silico analysis. Since supporting evidence is limited at this time, the clinical significance of this alteration remains unclear.

NM_000057.4(BLM):c.193G>C (p.Val65Leu)

Gene: BLM (BLM RecQ like helicase; plus strand). Cytogenetic location: 15q26.1.
Variant type: single nucleotide variant.
Coding change: c.193G>C on transcript NM_000057.4 (MANE Select); coding-DNA position 193, G replaced by C.
Protein change: p.Val65Leu; replaces valine 65 with leucine.
Molecular consequence: missense variant. On other transcripts: 5 prime UTR variant (1).
Genome position (GRCh38, 1-based): chr15:90,749,461, G>C. VCF-style: chr15-90749461-G-C. GRCh37 (hg19) VCF-style: chr15-91292691-G-C.
Other names: c.193G>C, p.Val65Leu (NM_001287246.2, NM_001287247.2); c.-1099G>C (NM_001287248.2); short protein forms V65L.
Identifiers: ClinVar variation 2452530 (VCV002452530.2), dbSNP rs1895603124, ClinGen allele CA393839666.